The following is an entry in ClinVar:

ClinVar aggregate classification (germline): Conflicting classifications of pathogenicity. Review status: criteria provided, conflicting classifications (1 of 4 stars). 3 submissions from 3 submitters: Uncertain significance (1); Likely benign (2). Last evaluated 2025-10-16.

Conditions:
Hereditary nonpolyposis colorectal neoplasms. Identifiers: MedGen C0009405, MeSH D003123.
Hereditary cancer-predisposing syndrome. Also called: Neoplastic Syndromes, Hereditary; Tumor predisposition; Hereditary Cancer Syndrome; Hereditary neoplastic syndrome. Identifiers: Orphanet 140162, MedGen C0027672, MeSH D009386, MONDO:0015356.

Submissions (3):

Ambry Genetics
Classification: Uncertain significance for Hereditary cancer-predisposing syndrome. Last evaluated: 2025-10-16. Review status: criteria provided, single submitter. Criteria: Ambry Variant Classification Scheme 2023. Collection method: clinical testing. Allele origin: germline.
Comment: The c.3439-5C>T intronic variant results from a C to T substitution 5 nucleotides upstream from coding exon 6 in the MSH6 gene. This nucleotide position is not well conserved in available vertebrate species. In silico splice site analysis predicts that this alteration will not have any significant effect on splicing. Based on the available evidence, the clinical significance of this variant remains unclear.

Blueprint Genetics
Classification: Likely benign. Last evaluated: 2024-09-13. Review status: criteria provided, single submitter. Criteria: ACMG Guidelines, 2015. Collection method: clinical testing. Allele origin: germline.

Labcorp Genetics (formerly Invitae), Labcorp
Classification: Likely benign for Hereditary nonpolyposis colorectal neoplasms. Last evaluated: 2024-01-08. Review status: criteria provided, single submitter. Criteria: Invitae Variant Classification Sherloc (09022015). Collection method: clinical testing. Allele origin: germline.

NM_000179.3(MSH6):c.3439-5C>T

Gene: MSH6 (mutS homolog 6; plus strand). Cytogenetic location: 2p16.3.
Variant type: single nucleotide variant.
Coding change: c.3439-5C>T on transcript NM_000179.3 (MANE Select); 5 bases into the intron before coding-DNA position 3439, C replaced by T.
Molecular consequence: intron variant.
Genome position (GRCh38, 1-based): chr2:47,804,905, C>T. VCF-style: chr2-47804905-C-T. GRCh37 (hg19) VCF-style: chr2-48032044-C-T.
Other names: c.3439-5C>T (NM_001406809.1, NM_001406796.1, NM_001406808.1 and 2 more transcripts); c.2533-5C>T (NM_001406811.1, NM_001406814.1, NM_001281493.2 and 6 more transcripts); c.3142-5C>T (NM_001406805.1, NM_001406797.1, NM_001406801.1 and 10 more transcripts); c.3535-5C>T (NM_001406795.1, NM_001406802.1); c.3445-5C>T (NM_001406813.1); c.2914-5C>T (NM_001406807.1, NM_001406799.1, NM_001406806.1); c.3265-5C>T (NM_001406798.1); c.2575-5C>T (NM_001406803.1); and 7 more.
Identifiers: ClinVar variation 3000574 (VCV003000574.5), dbSNP rs2104503585, ClinGen allele CA346759866.